The following is an entry in ClinVar:

ClinVar aggregate classification (germline): Conflicting classifications of pathogenicity. Review status: criteria provided, conflicting classifications (1 of 4 stars). 2 submissions from 2 submitters: Uncertain significance (1); Likely benign (1). Last evaluated 2026-01-18.

Conditions:
Inborn genetic diseases. Identifiers: MedGen C0950123, MeSH D030342.

gnomAD v4.1: 6 of 1,613,694 alleles (0.00037%); highest among the groups gnomAD compares: Middle Eastern, 0.016%; no homozygotes.

Submissions (2):

Labcorp Genetics (formerly Invitae), Labcorp
Classification: Uncertain significance. Last evaluated: 2026-01-18. Review status: criteria provided, single submitter. Criteria: Invitae Variant Classification Sherloc (09022015). Collection method: clinical testing. Allele origin: germline.
Comment: This sequence change replaces alanine, which is neutral and non-polar, with glycine, which is neutral and non-polar, at codon 332 of the LBR protein (p.Ala332Gly). This variant is present in population databases (no rsID available, gnomAD 0.0009%). This variant has not been reported in the literature in individuals affected with LBR-related conditions. ClinVar contains an entry for this variant (Variation ID: 4096813). Invitae Evidence Modeling of protein sequence and biophysical properties (such as structural, functional, and spatial information, amino acid conservation, physicochemical variation, residue mobility, and thermodynamic stability) indicates that this missense variant is not expected to disrupt LBR protein function with a negative predictive value of 80%. In summary, the available evidence is currently insufficient to determine the role of this variant in disease. Therefore, it has been classified as a Variant of Uncertain Significance.

Ambry Genetics
Classification: Likely benign for Inborn genetic diseases. Last evaluated: 2025-08-22. Review status: criteria provided, single submitter. Criteria: Ambry Variant Classification Scheme 2023. Collection method: clinical testing. Allele origin: germline.

NM_002296.4(LBR):c.995C>G (p.Ala332Gly)

Gene: LBR (lamin B receptor; minus strand). Cytogenetic location: 1q42.12.
Variant type: single nucleotide variant.
Coding change: c.995C>G on transcript NM_002296.4 (MANE Select); coding-DNA position 995, C replaced by G.
Protein change: p.Ala332Gly; replaces alanine 332 with glycine.
Molecular consequence: missense variant.
Genome position (GRCh38, 1-based): chr1:225,412,543, G>C on the plus strand (C>G on the coding strand, the complement: LBR is on the minus strand). VCF-style: chr1-225412543-G-C. GRCh37 (hg19) VCF-style: chr1-225600245-G-C.
Other names: c.995C>G, p.Ala332Gly (NM_194442.3); short protein forms A332G.
Identifiers: ClinVar variation 4096813 (VCV004096813.2).